The following is an entry in ClinVar:

NM_003242.6(TGFBR2):c.6T>C (p.Gly2=)

Gene: TGFBR2 (transforming growth factor beta receptor 2; plus strand). Cytogenetic location: 3p24.1.
Variant type: single nucleotide variant.
Coding change: c.6T>C on transcript NM_003242.6 (MANE Select); coding-DNA position 6, T replaced by C.
Protein change: p.Gly2=; no amino-acid change (glycine 2 retained).
Molecular consequence: synonymous variant. On other transcripts: 5 prime UTR variant (4), intron variant (2).
Genome position (GRCh38, 1-based): chr3:30,606,889, T>C. VCF-style: chr3-30606889-T-C. GRCh37 (hg19) VCF-style: chr3-30648381-T-C.
Other names: p.Gly2=; c.6T>C, p.Gly2= (NM_001024847.3, NM_001407126.1, NM_001407127.1 and 4 more transcripts); c.-278T>C (NM_001407133.1); c.-156T>C (NM_001407134.1); c.-203T>C (NM_001407135.1); c.-288T>C (NM_001407136.1); c.-12+296T>C (NM_001407129.1, NM_001407132.1).
Identifiers: ClinVar variation 618429 (VCV000618429.64), dbSNP rs758864131, ClinGen allele CA049729.

ClinVar aggregate classification (germline): Likely benign. Review status: criteria provided, multiple submitters, no conflicts (2 of 4 stars). 10 submissions from 10 submitters: Likely benign (9). 1 of the submissions does not count toward it. Last evaluated 2026-01-31.

Conditions:
Familial thoracic aortic aneurysm and aortic dissection (TAAD). Also called: Thoracic aortic aneurysms and dissections. Identifiers: Orphanet 91387, MedGen C4707243, MONDO:0019625.
Loeys-Dietz syndrome 2 (LDS2). Also called: Marfan syndrome, type 2 (formerly); Marfan Syndrome type 2; Marfan like connective tissue disorder; MFS 2; TGFBR2-Related Loeys-Dietz Syndrome; AORTIC ANEURYSM, FAMILIAL THORACIC 3. Identifiers: Orphanet 284973, Orphanet 558, MedGen C2674574, MONDO:0012427, OMIM 610168.
TGFBR2-related disorder. Also called: TGFBR2-related condition.
Diabetic retinopathy. Identifiers: MedGen C0011884, MONDO:0005266.

Allele frequency attached by ClinVar (database versions not stated): ExAC below 0.00001; gnomAD 0.00001; TOPMed 0.00001; gnomAD exomes 0.00002.
gnomAD v4.1: 31 of 1,568,904 alleles (0.002%); highest among the groups gnomAD compares: Non-Finnish European, 0.0025%; no homozygotes.

Submissions (10):

Labcorp Genetics (formerly Invitae), Labcorp
Classification: Likely benign for Familial thoracic aortic aneurysm and aortic dissection. Last evaluated: 2026-01-31. Review status: criteria provided, single submitter. Criteria: Invitae Variant Classification Sherloc (09022015). Collection method: clinical testing. Allele origin: germline.

Mayo Clinic Laboratories, Mayo Clinic
Classification: Likely benign. Last evaluated: 2025-09-12. Review status: criteria provided, single submitter. Criteria: ACMG Guidelines, 2015. Collection method: clinical testing. Allele origin: germline. Observed: 1 variant allele.
Comment: BP4, BP7, PM2_supporting

CeGaT Center for Human Genetics Tuebingen
Classification: Likely benign. Last evaluated: 2025-05-01. Review status: criteria provided, single submitter. Criteria: CeGaT Center For Human Genetics Tuebingen Variant Classification Criteria Version 2. Collection method: clinical testing. Allele origin: germline. Affected: yes. Observed: 2 variant alleles.
Comment: TGFBR2: BP4, BP7

All of Us Research Program, National Institutes of Health
Classification: Likely benign for Loeys-Dietz syndrome 2. Last evaluated: 2024-08-06. Review status: criteria provided, single submitter. Criteria: ACMG Guidelines, 2015. Collection method: clinical testing. Allele origin: germline. Inheritance: Autosomal dominant inheritance. Observed: 7 variant alleles, 7 heterozygotes.
Comment: This study involves interpretation of variants in research participants for the purpose of population health screening. Participant phenotype was not available at the time of variant classification. Additional details can be found in publication PMID: 35346344, PMCID: PMC8962531

Color Diagnostics, LLC DBA Color Health
Classification: Likely benign for Familial thoracic aortic aneurysm and aortic dissection. Last evaluated: 2020-02-18. Review status: criteria provided, single submitter. Criteria: ACMG Guidelines, 2015. Collection method: clinical testing. Allele origin: germline.

GeneDx
Classification: Likely benign. Last evaluated: 2020-02-14. Review status: criteria provided, single submitter. Criteria: GeneDx Variant Classification Process June 2021. Collection method: clinical testing. Allele origin: germline. Affected: yes.

Ambry Genetics
Classification: Likely benign for Familial thoracic aortic aneurysm and aortic dissection. Last evaluated: 2019-07-27. Review status: criteria provided, single submitter. Criteria: Ambry Variant Classification Scheme 2023. Collection method: clinical testing. Allele origin: germline.

ARUP Laboratories, Molecular Genetics and Genomics, ARUP Laboratories
Classification: Likely benign. Last evaluated: 2017-06-07. Review status: criteria provided, single submitter. Criteria: ARUP Molecular Germline Variant Investigation Process. Collection method: clinical testing. Allele origin: germline.

Clinical Genomics, Uppaluri K&H Personalized Medicine Clinic
Classification: Likely benign for Diabetic retinopathy. Review status: criteria provided, single submitter. Criteria: K And H Uppaluri Personalized Medicine Clinic Variant Classification And Assertion Criteria Updated V 2. Collection method: research. Allele origin: unknown.
Comment: Potent mutations in TGFBR2 gene encodes the transforming growth factor that have been associated with angiogenesis and diabetic retinopathy. More clinical studies are needed for stronger association. However, more evidence is required to confer the association of this particular variant rs758864131 with diabetic retinopathy.

PreventionGenetics, part of Exact Sciences
Classification: Likely benign for TGFBR2-related condition. Last evaluated: 2021-12-13. Review status: no assertion criteria provided. Collection method: clinical testing. Allele origin: germline. Not counted in ClinVar's aggregate classification.
Comment: This variant is classified as likely benign based on ACMG/AMP sequence variant interpretation guidelines (Richards et al. 2015 PMID: 25741868, with internal and published modifications).

Literature cited by the submitters: PubMed 30222965 (cited by Clinical Genomics, Uppaluri K&H Personalized Medicine Clinic); PubMed 28162229 (cited by Clinical Genomics, Uppaluri K&H Personalized Medicine Clinic); PubMed 34572573 (cited by Clinical Genomics, Uppaluri K&H Personalized Medicine Clinic).